The following is an entry in ClinVar:

ClinVar aggregate classification (germline): Uncertain significance (1 of 4 stars; one submission).

Submission:

Mayo Clinic Laboratories, Mayo Clinic
Classification: Uncertain significance. Last evaluated: 2024-05-21. Review status: criteria provided, single submitter. Criteria: ACMG Guidelines, 2015. Collection method: clinical testing. Allele origin: germline. Observed: 1 variant allele.
Comment: BP4, PM2_moderate

NM_000173.7(GP1BA):c.1310C>G (p.Pro437Arg)

Gene: GP1BA (glycoprotein Ib platelet subunit alpha; plus strand). Cytogenetic location: 17p13.2.
Variant type: single nucleotide variant.
Coding change: c.1310C>G on transcript NM_000173.7 (MANE Select); coding-DNA position 1310, C replaced by G.
Protein change: p.Pro437Arg; replaces proline 437 with arginine.
Molecular consequence: missense variant.
Genome position (GRCh38, 1-based): chr17:4,933,914, C>G. VCF-style: chr17-4933914-C-G. GRCh37 (hg19) VCF-style: chr17-4837209-C-G.
Other names: p.Pro437Arg; short protein forms P437R.
Identifiers: ClinVar variation 3380460 (VCV003380460.1).